The following is an entry in ClinVar:

NM_000545.8(HNF1A):c.1340C>T (p.Pro447Leu)

Gene: HNF1A (HNF1 homeobox A; plus strand). Cytogenetic location: 12q24.31.
Variant type: single nucleotide variant.
Coding change: c.1340C>T on transcript NM_000545.8 (MANE Select); coding-DNA position 1340, C replaced by T.
Protein change: p.Pro447Leu; replaces proline 447 with leucine.
Molecular consequence: missense variant.
Genome position (GRCh38, 1-based): chr12:120,997,504, C>T. VCF-style: chr12-120997504-C-T. GRCh37 (hg19) VCF-style: chr12-121435307-C-T.
Other names: NM_000545.6(HNF1A):c.1340C>T; p.Pro447Leu; c.1340C>T, p.Pro447Leu (NM_001306179.2); short protein forms P447L.
Identifiers: ClinVar variation 14928 (VCV000014928.21), dbSNP rs137853236, ClinGen allele CA124454.

ClinVar aggregate classification (germline): Pathogenic. Review status: reviewed by expert panel (3 of 4 stars). 12 submissions from 12 submitters: Pathogenic (1). 11 of the submissions do not count toward it. Last evaluated 2021-12-31.

Conditions:
HNF1A-related disorder. Also called: HNF1A-related condition.
Monogenic diabetes. Identifiers: Orphanet 183625, MedGen C3888631, MONDO:0015967.
Nonpapillary renal cell carcinoma. Identifiers: Orphanet 422526, MedGen CN074294, MONDO:0007763, OMIM 144700.
Hepatic adenomas, familial. Also called: HEPATIC ADENOMA, SOMATIC; LIVER CELL ADENOMAS, FAMILIAL. Identifiers: MedGen C1840646, MONDO:0007718, OMIM 142330.
Maturity-onset diabetes of the young type 3. Also called: MODY type 3; MODY, type III. Identifiers: Orphanet 552, MedGen C1838100, MeSH C563933, MONDO:0010894, OMIM 600496. Disease mechanism: loss of function.
Diabetes mellitus type 1 (T1D). Also called: Type I diabetes mellitus; Diabetes Mellitus, Juvenile-Onset. Identifiers: MedGen C0011854, MONDO:0005147, OMIM 222100, HP:0100651.
Type 2 diabetes mellitus. Also called: Type II diabetes mellitus. Identifiers: MedGen C0011860, MeSH D003924, MONDO:0005148, OMIM 125853, HP:0005978.
Type 1 diabetes mellitus 20 (T1D20). Also called: Diabetes mellitus, insulin-dependent, 20. Identifiers: MedGen C2675866, MONDO:0012919, OMIM 612520.
Maturity-onset diabetes of the young (MODY). Also called: Maturity onset diabetes mellitus in young. Identifiers: Orphanet 552, MedGen C0342276, MONDO:0018911, HP:0004904.

Allele frequency attached by ClinVar (database versions not stated): gnomAD exomes 0.00001.

Submissions 1 to 7 of 12:

ClinGen Monogenic Diabetes Variant Curation Expert Panel
Classification: Pathogenic for Monogenic diabetes. Last evaluated: 2021-12-31. Review status: reviewed by expert panel. Criteria: ClinGen Diabetes ACMG Specifications v1 1. Collection method: curation. Allele origin: germline. Inheritance: Autosomal dominant inheritance.
Comment: The c.1340C>T variant in the HNF1 homeobox A gene, HNF1A, causes an amino acid change of proline to leucine at codon 447 (p.(Pro447Leu)) of NM_000545.8. This variant was identified as a de novo occurrence with unconfirmed parental relationships in an individual with diabetes, but whose clinical picture is not highly specific for HNF1A-MODY ([MODY probability calculator result <50%/HNF4A not tested) (PS2_Supporting; internal lab contributors). A luciferase assay meeting the ClinGen MDEP quality control specifications demonstrated that the p.Pro447Leu protein has transactivation activity below 40% of wildtype, indicating that this variant impacts protein function (PS3_Moderate, PMIDs: 27899486, 12530534, 10585442, 32910913, 32910913). This variant was identified in 11 unrelated individuals with non- autoimmune and non-absolute/near-absolute insulin-deficient diabetes (PS4; internal lab contributors) and is absent from gnomAD v2.1.1 (PM2_Supporting). This variant segregated with diabetes, with at least 15 informative meioses in families with MODY (PP1_Strong; internal lab contributors), and is predicted to be deleterious by computational evidence, with a REVEL score of 0.957, which is greater than or equal to the MDEP VCEP threshold of 0.70 (PP3). Lastly, this variant was identified in at least two individuals with a clinical history highly specific for HNF1A-MODY (MODY probability calculator result >50%, negative genetic testing for HNF4A) (PP4; internal lab contributors). In summary, c.1340C>T meets the criteria to be classified as pathogenic for monogenic diabetes. ACMG/AMP criteria applied, as specified by the ClinGen MDEP (specification version 1.1, approved 6/4/2021): PS4, PP1_Strong, PP3, PP4, PS2_Supporting, PM2_Supporting, PS3_Moderate.

PreventionGenetics, part of Exact Sciences
Classification: Pathogenic for HNF1A-related condition. Last evaluated: 2026-09-02. Review status: criteria provided, single submitter. Criteria: ACMG Guidelines, 2015. Collection method: clinical testing. Allele origin: germline. Not counted in ClinVar's aggregate classification.
Comment: The HNF1A c.1340C>T variant is predicted to result in the amino acid substitution p.Pro447Leu. This variant has been reported to be causative for maturity onset diabetes of the young (MODY) due to severely reduced transcriptional activity (See for examples, Yamagata et al. 1996. PubMed ID: 8945470; Thomas et al. 2002. PubMed ID: 12530534; Najmi et al. 2017. PubMed ID: 27899486; Passanisi et al. 2021. PubMed ID: 34496959). This variant is reported in 0.0048% of alleles in individuals of European (Finnish) descent in gnomAD. This variant is interpreted as pathogenic.

Labcorp Genetics (formerly Invitae), Labcorp
Classification: Pathogenic. Last evaluated: 2026-01-21. Review status: criteria provided, single submitter. Criteria: Invitae Variant Classification Sherloc (09022015). Collection method: clinical testing. Allele origin: germline. Not counted in ClinVar's aggregate classification.
Comment: This sequence change replaces proline, which is neutral and non-polar, with leucine, which is neutral and non-polar, at codon 447 of the HNF1A protein (p.Pro447Leu). The frequency data for this variant in the population databases is considered unreliable, as metrics indicate poor data quality at this position in the gnomAD database. This missense change has been observed in individual(s) with maturity-onset diabetes of the young (PMID: 8945470). It has also been observed to segregate with disease in related individuals. Invitae Evidence Modeling of clinical and family history, age, sex, and reported ancestry of multiple individuals with this HNF1A variant has been performed. This variant is expected to be pathogenic with a positive predictive value of at least 99%. This is a validated machine learning model that incorporates the clinical features of 42,750 individuals referred to our laboratory for HNF1A testing. ClinVar contains an entry for this variant (Variation ID: 14928). Invitae Evidence Modeling of protein sequence and biophysical properties (such as structural, functional, and spatial information, amino acid conservation, physicochemical variation, residue mobility, and thermodynamic stability) indicates that this missense variant is not expected to disrupt HNF1A protein function with a negative predictive value of 80%. Experimental studies have shown that this missense change affects HNF1A function (PMID: 12530534). For these reasons, this variant has been classified as Pathogenic.

MVZ Medizinische Genetik Mainz
Classification: Pathogenic for Maturity-onset diabetes of the young type 3. Last evaluated: 2025-12-11. Review status: criteria provided, single submitter. Criteria: UK Practice Guidelines For Variant Classification V4 01 2020. Collection method: clinical testing. Allele origin: germline. Inheritance: Autosomal dominant inheritance. Observed: 1 variant allele. Not counted in ClinVar's aggregate classification.
Comment: ACMG Criteria: PP1_STR,PS3_MOD,PS4_MOD,PM2_SUP,PP3

ARUP Laboratories, Molecular Genetics and Genomics, ARUP Laboratories
Classification: Pathogenic. Last evaluated: 2025-05-29. Review status: criteria provided, single submitter. Criteria: ARUP Molecular Germline Variant Investigation Process 2024. Collection method: clinical testing. Allele origin: germline. Not counted in ClinVar's aggregate classification.
Comment: The HNF1A c.1340C>T; p.Pro447Leu variant (rs137853236, ClinVar Variation ID: 14928) is reported in multiple individuals with maturity onset diabetes of the young (MODY; Cantu 2016, Colclough 2022, Marucci 2023, Passanisi 2021, Yorifuji 2023). This variant co-segregated with MODY in one family with nine informative meioses (Yamagata 1996). This variant is only observed on three alleles in the Genome Aggregation Database (v2.1.1), indicating it is not a common polymorphism. Computational analyses predict that this variant is deleterious (REVEL: 0.957). Functional analyses of the variant protein show transactivation at less than 40% of wildtype (Althari 2020, Najmi 2017). Based on available information, this variant is considered to be pathogenic. References: Althari S et al. Unsupervised Clustering of Missense Variants in HNF1A Using Multidimensional Functional Data Aids Clinical Interpretation. Am J Hum Genet. 2020 Oct 1;107(4):670-682. PMID: 32910913. Cantu S et al. Hepatocyte Nuclear Factor 1a Mutation-associated MODY-3 and Familial Liver Adenomatosis. J Clin Gastroenterol. 2016 Feb;50(2):181-2. PMID: 26646800. Colclough K et al. Syndromic Monogenic Diabetes Genes Should Be Tested in Patients With a Clinical Suspicion of Maturity-Onset Diabetes of the Young. Diabetes. 2022 Mar 1;71(3):530-537. PMID: 34789499. Marucci A et al. MODY patients carrying mutation in syndromic diabetes genes. An Italian single-center experience. Acta Diabetol. 2023 Jan;60(1):131-135. PMID: 36227502. Najmi LA et al. Functional Investigations of HNF1A Identify Rare Variants as Risk Factors for Type 2 Diabetes in the General Population. Diabetes. 2017 Feb;66(2):335-346. PMID: 27899486. Passanisi S et al. Clinical and genetic features of maturity-onset diabetes of the young in pediatric patients: a 12-year monocentric experience. Diabetol Metab Syndr. 2021 Sep 8;13(1):96. PMID: 34496959. Yamagata K et al. Mutations in the hepatocyte nuclear factor-1alpha gene in maturity-onset diabetes of the young (MODY3). Nature. 1996 Dec 5;384(6608):455-8. PMID: 8945470. Yorifuji T et al. Targeted gene panel analysis of Japanese patients with maturity-onset diabetes of the young-like diabetes mellitus: Roles of inactivating variants in the ABCC8 and insulin resistance genes. J Diabetes Investig. 2023 Mar;14(3):387-403. PMID: 36504295.

Revvity Omics, Revvity
Classification: Pathogenic. Last evaluated: 2024-03-26. Review status: criteria provided, single submitter. Criteria: ACMG Guidelines, 2015. Collection method: clinical testing. Allele origin: germline. Not counted in ClinVar's aggregate classification.

GeneDx
Classification: Pathogenic. Last evaluated: 2023-10-20. Review status: criteria provided, single submitter. Criteria: GeneDx Variant Classification Process June 2021. Collection method: clinical testing. Allele origin: germline. Affected: yes. Not counted in ClinVar's aggregate classification.
Comment: Published functional studies demonstrate a damaging effect: loss of trans-activation activity and dominant negative effect (Vaxillaire et al., 1999; Najmi et al., 2016); Not observed at significant frequency in large population cohorts (gnomAD); In silico analysis supports that this missense variant has a deleterious effect on protein structure/function; This variant is associated with the following publications: (PMID: 20393147, 16496320, 11058894, 24915262, 29207974, 34496959, 12530534, 26646800, 30121369, 12574234, 28701371, 21224407, 17937063, 17573900, 29927023, 18838325, 11296231, 8945470, 9075819, 32041611, 10585442, 27899486, 36227502)